The following is an entry in ClinVar:

NM_032737.4(LMNB2):c.815G>T (p.Arg272Leu)

Gene: LMNB2 (lamin B2; minus strand). Cytogenetic location: 19p13.3.
Variant type: single nucleotide variant.
Coding change: c.815G>T on transcript NM_032737.4 (MANE Select); coding-DNA position 815, G replaced by T.
Protein change: p.Arg272Leu; replaces arginine 272 with leucine.
Molecular consequence: missense variant.
Genome position (GRCh38, 1-based): chr19:2,435,041, C>A on the plus strand (G>T on the coding strand, the complement: LMNB2 is on the minus strand). VCF-style: chr19-2435041-C-A. GRCh37 (hg19) VCF-style: chr19-2435039-C-A.
Other names: short protein forms R272L.
Identifiers: ClinVar variation 3763990 (VCV003763990.2).

ClinVar aggregate classification (germline): Uncertain significance (1 of 4 stars; one submission).

Conditions:
Lipodystrophy, partial, acquired, susceptibility to (APLD). Also called: APLD, SUSCEPTIBILITY TO. Identifiers: MedGen C3887501, MONDO:0100476, OMIM 608709.
Progressive myoclonic epilepsy type 9. Identifiers: Orphanet 457265, MedGen C4225289, MONDO:0014685, OMIM 616540.

Submission:

Labcorp Genetics (formerly Invitae), Labcorp
Classification: Uncertain significance for Progressive myoclonic epilepsy type 9; Lipodystrophy, partial, acquired, susceptibility to. Last evaluated: 2024-05-26. Review status: criteria provided, single submitter. Criteria: Invitae Variant Classification Sherloc (09022015). Collection method: clinical testing. Allele origin: germline.
Comment: This sequence change replaces arginine, which is basic and polar, with leucine, which is neutral and non-polar, at codon 272 of the LMNB2 protein (p.Arg272Leu). This variant is not present in population databases (gnomAD no frequency). This variant has not been reported in the literature in individuals affected with LMNB2-related conditions. Advanced modeling of protein sequence and biophysical properties (such as structural, functional, and spatial information, amino acid conservation, physicochemical variation, residue mobility, and thermodynamic stability) performed at Invitae indicates that this missense variant is not expected to disrupt LMNB2 protein function with a negative predictive value of 80%. In summary, the available evidence is currently insufficient to determine the role of this variant in disease. Therefore, it has been classified as a Variant of Uncertain Significance.